The following is an entry in ClinVar:

NM_000214.3(JAG1):c.2141G>A (p.Cys714Tyr)

Gene: JAG1 (jagged canonical Notch ligand 1; minus strand). Cytogenetic location: 20p12.2.
Variant type: single nucleotide variant.
Coding change: c.2141G>A on transcript NM_000214.3 (MANE Select); coding-DNA position 2141, G replaced by A.
Protein change: p.Cys714Tyr; replaces cysteine 714 with tyrosine.
Molecular consequence: missense variant.
Genome position (GRCh38, 1-based): chr20:10,645,229, C>T on the plus strand (G>A on the coding strand, the complement: JAG1 is on the minus strand). VCF-style: chr20-10645229-C-T. GRCh37 (hg19) VCF-style: chr20-10625877-C-T.
Other names: short protein forms C714Y.
Identifiers: ClinVar variation 998435 (VCV000998435.8), dbSNP rs2067300040, ClinGen allele CA408235299.

ClinVar aggregate classification (germline): Uncertain significance (1 of 4 stars; one submission).

Conditions:
Alagille syndrome due to a JAG1 point mutation. Also called: JAG1-Related Alagille Syndrome; HEPATIC DUCTULAR HYPOPLASIA, SYNDROMATIC; Alagille Syndrome 1. Identifiers: Orphanet 261619, Orphanet 52, MedGen C1956125, MONDO:0016862, OMIM 118450.

Submission:

Labcorp Genetics (formerly Invitae), Labcorp
Classification: Uncertain significance for Alagille syndrome due to a JAG1 point mutation. Last evaluated: 2020-03-14. Review status: criteria provided, single submitter. Criteria: Invitae Variant Classification Sherloc (09022015). Collection method: clinical testing. Allele origin: germline.
Comment: In summary, the available evidence is currently insufficient to determine the role of this variant in disease. Therefore, it has been classified as a Variant of Uncertain Significance. This variant has been reported to affect JAG1 protein function (PMID: 22487239). This variant has been observed in individual(s) with Alagille syndrome (PMID: 11180599). This variant is not present in population databases (ExAC no frequency). This sequence change replaces cysteine with tyrosine at codon 714 of the JAG1 protein (p.Cys714Tyr). The cysteine residue is highly conserved and there is a large physicochemical difference between cysteine and tyrosine.

Literature cited by the submitters: PubMed 22487239; PubMed 11180599.